The following is an entry in ClinVar:

NM_000554.6(CRX):c.*2717G>T

Gene: CRX (cone-rod homeobox; plus strand). Cytogenetic location: 19q13.33.
Variant type: single nucleotide variant.
Coding change: c.*2717G>T on transcript NM_000554.6 (MANE Select); 2717 bases downstream of the stop codon, G replaced by T.
Molecular consequence: 3 prime UTR variant.
Genome position (GRCh38, 1-based): chr19:47,842,684, G>T. VCF-style: chr19-47842684-G-T. GRCh37 (hg19) VCF-style: chr19-48345941-G-T.
Identifiers: ClinVar variation 329769 (VCV000329769.6), dbSNP rs11666203, ClinGen allele CA10648926.

ClinVar aggregate classification (germline): Benign. Review status: criteria provided, multiple submitters, no conflicts (2 of 4 stars). 4 submissions from 2 submitters: Benign (4). Last evaluated 2018-01-12.

Conditions:
Leber congenital amaurosis 7 (LCA7). Identifiers: Orphanet 65, MedGen C3151192, MONDO:0013449, OMIM 613829.
Retinitis pigmentosa (RP). Identifiers: Orphanet 791, MedGen C0035334, MeSH D012174, MONDO:0019200, OMIM 268000. Inheritance: Autosomal dominant, autosomal recessive and X linked inheritance.
Cone-rod dystrophy 2 (CORD2). Also called: CONE-ROD RETINAL DYSTROPHY; Cone-rod retinal dystrophy 2. Identifiers: Orphanet 1872, MedGen C3489532, MONDO:0007362, OMIM 120970.

Allele frequency attached by ClinVar (database versions not stated): 1000 Genomes Project 0.23043; 1000 Genomes Project 30x 0.23189; gnomAD 0.30498; TOPMed 0.30720; gnomAD exomes 0.33117.

Submissions (4):

Illumina Laboratory Services, Illumina
Classification: Benign for Leber congenital amaurosis 7. Last evaluated: 2018-01-12. Review status: criteria provided, single submitter. Criteria: ICSL Variant Classification Criteria 13 December 2019. Collection method: clinical testing. Allele origin: germline.
Comment: This variant was observed in the ICSL laboratory as part of a predisposition screen in an ostensibly healthy population. It had not been previously curated by ICSL or reported in the Human Gene Mutation Database (HGMD: prior to June 1st, 2018), and was therefore a candidate for classification through an automated scoring system. Utilizing variant allele frequency, disease prevalence and penetrance estimates, and inheritance mode, an automated score was calculated to assess if this variant is too frequent to cause the disease. Based on the score and internal cut-off values, a variant classified as benign is not then subjected to further curation. The score for this variant resulted in a classification of benign for this disease.

Illumina Laboratory Services, Illumina
Classification: Benign for Retinitis pigmentosa. Last evaluated: 2018-01-12. Review status: criteria provided, single submitter. Criteria: ICSL Variant Classification Criteria 13 December 2019. Collection method: clinical testing. Allele origin: germline.
Comment: the same text as in the submission from Illumina Laboratory Services, Illumina above.

Illumina Laboratory Services, Illumina
Classification: Benign for Cone-rod dystrophy 2. Last evaluated: 2018-01-12. Review status: criteria provided, single submitter. Criteria: ICSL Variant Classification Criteria 13 December 2019. Collection method: clinical testing. Allele origin: germline.
Comment: the same text as in the submission from Illumina Laboratory Services, Illumina above.

Breakthrough Genomics
Classification: Benign. Review status: criteria provided, single submitter. Criteria: ACMG Guidelines, 2015. Collection method: not provided. Allele origin: germline. Inheritance: Autosomal dominant inheritance. Affected: yes.